The following is an entry in ClinVar:

NM_000987.5(RPL26):c.29A>C (p.Asp10Ala)

Gene: RPL26 (ribosomal protein L26; minus strand). Cytogenetic location: 17p13.1.
Variant type: single nucleotide variant.
Coding change: c.29A>C on transcript NM_000987.5 (MANE Select); coding-DNA position 29, A replaced by C.
Protein change: p.Asp10Ala; replaces aspartic acid 10 with alanine.
Molecular consequence: missense variant.
Genome position (GRCh38, 1-based): chr17:8,382,282, T>G on the plus strand (A>C on the coding strand, the complement: RPL26 is on the minus strand). VCF-style: chr17-8382282-T-G. GRCh37 (hg19) VCF-style: chr17-8285600-T-G.
Other names: c.29A>C, p.Asp10Ala (NM_001315530.2, NM_001315531.2); short protein forms D10A.
Identifiers: ClinVar variation 2196695 (VCV002196695.4), dbSNP rs775323062, ClinGen allele CA8376144.

ClinVar aggregate classification (germline): Uncertain significance (1 of 4 stars; one submission).

Conditions:
Diamond-Blackfan anemia. Also called: Blackfan Diamond syndrome; Aregenerative anemia chronic congenital; Red cell aplasia, pure hereditary; Congenital hypoplastic anemia; Aase syndrome. Identifiers: Orphanet 124, MedGen C1260899, MeSH D029503, MONDO:0015253, HP:0004810.

Allele frequency attached by ClinVar (database versions not stated): gnomAD exomes 0.00001; ExAC 0.00002.

Submission:

Labcorp Genetics (formerly Invitae), Labcorp
Classification: Uncertain significance for Diamond-Blackfan anemia. Last evaluated: 2022-10-05. Review status: criteria provided, single submitter. Criteria: Invitae Variant Classification Sherloc (09022015). Collection method: clinical testing. Allele origin: germline.
Comment: In summary, the available evidence is currently insufficient to determine the role of this variant in disease. Therefore, it has been classified as a Variant of Uncertain Significance. Algorithms developed to predict the effect of missense changes on protein structure and function (SIFT, PolyPhen-2, Align-GVGD) all suggest that this variant is likely to be tolerated. This variant has not been reported in the literature in individuals affected with RPL26-related conditions. This variant is present in population databases (rs775323062, gnomAD 0.009%). This sequence change replaces aspartic acid, which is acidic and polar, with alanine, which is neutral and non-polar, at codon 10 of the RPL26 protein (p.Asp10Ala).